The following is an entry in ClinVar:

ClinVar aggregate classification (germline): Likely pathogenic (1 of 4 stars; one submission).

Conditions:
Congenital lactic acidosis, Saguenay-Lac-Saint-Jean type (MC4DN5). Also called: MITOCHONDRIAL COMPLEX IV DEFICIENCY, NUCLEAR TYPE 5; CYTOCHROME c OXIDASE DEFICIENCY, FRENCH CANADIAN TYPE; COX DEFICIENCY, FRENCH CANADIAN TYPE. Identifiers: Orphanet 70472, MedGen C1857355, MONDO:0009069, OMIM 220111.

Submission:

Myriad Genetics, Inc.
Classification: Likely pathogenic for Congenital lactic acidosis, Saguenay-Lac-Saint-Jean type. Last evaluated: 2022-03-04. Review status: criteria provided, single submitter. Criteria: Myriad Women's Health Autosomal Recessive and X-Linked Classification Criteria (2021). Collection method: clinical testing. Allele origin: unknown.
Comment: NM_133259.3(LRPPRC):c.1931T>A(L644*) is expected to be pathogenic in the context of Leigh syndrome, French-Canadian type. This variant is predicted to lead to an abnormal or absent protein product due to the creation of a premature termination codon in LRPPRC, a gene where loss-of-function variants are known to be pathogenic. Please note: this variant was assessed in the context of healthy population screening.

NM_133259.4(LRPPRC):c.1931T>A (p.Leu644Ter)

Gene: LRPPRC (leucine rich pentatricopeptide repeat containing; minus strand). Cytogenetic location: 2p21.
Variant type: single nucleotide variant.
Coding change: c.1931T>A on transcript NM_133259.4 (MANE Select); coding-DNA position 1931, T replaced by A.
Protein change: p.Leu644Ter; replaces leucine 644 with a stop codon.
Molecular consequence: nonsense.
Genome position (GRCh38, 1-based): chr2:43,947,765, A>T on the plus strand (T>A on the coding strand, the complement: LRPPRC is on the minus strand). VCF-style: chr2-43947765-A-T. GRCh37 (hg19) VCF-style: chr2-44174904-A-T.
Other names: short protein forms L644*.
Identifiers: ClinVar variation 1724990 (VCV001724990.2), dbSNP rs2466571559, ClinGen allele CA346675848.
Genomic context (GRCh38, chr2:43,947,765, plus strand): 5'-TAGAATCTAGTCAAAATCCTACTTACTTTTTGAAAGTCTAAATTCTTACTCTCAACCAAC[A>T]AGTGAGCATCCTAAAATTGAAATTTAAATTAGCCCAGAATTAGAAAACACACGTAAAAAT-3'